The following is an entry in ClinVar:

ClinVar aggregate classification (germline): Likely pathogenic. Review status: criteria provided, multiple submitters, no conflicts (2 of 4 stars). 2 submissions from 2 submitters: Likely pathogenic (2). Last evaluated 2024-08-21.

Conditions:
HPS3-related disorders.

Submissions (2):

Labcorp Genetics (formerly Invitae), Labcorp
Classification: Likely pathogenic. Last evaluated: 2024-08-21. Review status: criteria provided, single submitter. Criteria: Invitae Variant Classification Sherloc (09022015). Collection method: clinical testing. Allele origin: germline.
Comment: This sequence change affects an acceptor splice site in intron 9 of the HPS3 gene. It is expected to disrupt RNA splicing. Variants that disrupt the donor or acceptor splice site typically lead to a loss of protein function (PMID: 16199547), and loss-of-function variants in HPS3 are known to be pathogenic (PMID: 11590544). This variant is not present in population databases (gnomAD no frequency). This variant has not been reported in the literature in individuals affected with HPS3-related conditions. Algorithms developed to predict the effect of sequence changes on RNA splicing suggest that this variant may disrupt the consensus splice site. In summary, the currently available evidence indicates that the variant is pathogenic, but additional data are needed to prove that conclusively. Therefore, this variant has been classified as Likely Pathogenic.

Blueprint Genetics
Classification: Likely pathogenic for HPS3-related disorders. Last evaluated: 2022-01-24. Review status: criteria provided, single submitter. Criteria: ACMG Guidelines, 2015. Collection method: clinical testing. Allele origin: germline. Affected: yes. Observed: 1 variant allele.

Literature cited by the submitters: PubMed 16199547 (cited by Labcorp Genetics (formerly Invitae), Labcorp); PubMed 11590544 (cited by Labcorp Genetics (formerly Invitae), Labcorp).

NM_032383.5(HPS3):c.1692-2A>G

Gene: HPS3 (HPS3 biogenesis of lysosomal organelles complex 2 subunit 1; plus strand). Cytogenetic location: 3q24.
Variant type: single nucleotide variant.
Coding change: c.1692-2A>G on transcript NM_032383.5 (MANE Select); the canonical splice acceptor site of the intron before coding-DNA position 1692, A replaced by G.
Molecular consequence: splice acceptor variant.
Genome position (GRCh38, 1-based): chr3:149,158,664, A>G. VCF-style: chr3-149158664-A-G. GRCh37 (hg19) VCF-style: chr3-148876451-A-G.
Other names: c.1197-2A>G (NM_001308258.2).
Identifiers: ClinVar variation 3687657 (VCV003687657.3).
Genomic context (GRCh38, chr3:149,158,664, plus strand): 5'-ATAGTGAGACCCCGTCTTTAAAAAAGTGACAAATTTGAGGTTTTTCATTTCCTTCCCTTT[A>G]GGCTTGACTCCCAGCATTCTCATCTCACCTTGCCATACTATAAGATGTCTGGTTTGTCTA-3'